The following is an entry in ClinVar:

ClinVar aggregate classification (germline): Uncertain significance. Review status: criteria provided, multiple submitters, no conflicts (2 of 4 stars). 2 submissions from 2 submitters: Uncertain significance (2). Last evaluated 2024-05-02.

Conditions:
Donnai-Barrow syndrome. Also called: DBS/FOAR SYNDROME; FACIOOCULOACOUSTICORENAL SYNDROME. Identifiers: Orphanet 2143, MedGen C1857277, MONDO:0009104, OMIM 222448.

Allele frequency attached by ClinVar (database versions not stated): ExAC 0.00001; gnomAD 0.00002; gnomAD exomes 0.00002; TOPMed 0.00002.
gnomAD v4.1: 27 of 1,614,016 alleles (0.0017%); highest among the groups gnomAD compares: Non-Finnish European, 0.0022%; no homozygotes.

Submissions (2):

Fulgent Genetics
Classification: Uncertain significance for Donnai-Barrow syndrome. Last evaluated: 2024-05-02. Review status: criteria provided, single submitter. Criteria: ACMG Guidelines, 2015. Collection method: clinical testing. Allele origin: germline.

Labcorp Genetics (formerly Invitae), Labcorp
Classification: Uncertain significance. Last evaluated: 2022-07-24. Review status: criteria provided, single submitter. Criteria: Invitae Variant Classification Sherloc (09022015). Collection method: clinical testing. Allele origin: germline.
Comment: This sequence change replaces tyrosine, which is neutral and polar, with cysteine, which is neutral and slightly polar, at codon 2601 of the LRP2 protein (p.Tyr2601Cys). This variant is present in population databases (rs755794851, gnomAD 0.003%). This variant has not been reported in the literature in individuals affected with LRP2-related conditions. Advanced modeling of protein sequence and biophysical properties (such as structural, functional, and spatial information, amino acid conservation, physicochemical variation, residue mobility, and thermodynamic stability) performed at Invitae indicates that this missense variant is expected to disrupt LRP2 protein function. In summary, the available evidence is currently insufficient to determine the role of this variant in disease. Therefore, it has been classified as a Variant of Uncertain Significance.

NM_004525.3(LRP2):c.7802A>G (p.Tyr2601Cys)

Gene: LRP2 (LDL receptor related protein 2; minus strand). Cytogenetic location: 2q31.1.
Variant type: single nucleotide variant.
Coding change: c.7802A>G on transcript NM_004525.3 (MANE Select); coding-DNA position 7802, A replaced by G.
Protein change: p.Tyr2601Cys; replaces tyrosine 2601 with cysteine.
Molecular consequence: missense variant.
Genome position (GRCh38, 1-based): chr2:169,204,185, T>C on the plus strand (A>G on the coding strand, the complement: LRP2 is on the minus strand). VCF-style: chr2-169204185-T-C. GRCh37 (hg19) VCF-style: chr2-170060695-T-C.
Other names: short protein forms Y2601C.
Identifiers: ClinVar variation 1942760 (VCV001942760.3), dbSNP rs755794851, ClinGen allele CA1953999.